The following is an entry in ClinVar:

ClinVar aggregate classification (germline): Uncertain significance (1 of 4 stars; one submission).

Conditions:
Hereditary factor XI deficiency disease. Also called: PLASMA THROMBOPLASTIN ANTECEDENT DEFICIENCY; PTA DEFICIENCY; ROSENTHAL SYNDROME; Congenital factor XI deficiency. Identifiers: Orphanet 329, MedGen C0015523, MeSH D005173, MONDO:0012897, OMIM 612416.

Submission:

Myriad Genetics, Inc.
Classification: Uncertain significance for Hereditary factor XI deficiency disease. Last evaluated: 2026-09-02. Review status: criteria provided, single submitter. Criteria: Myriad Autosomal Dominant, Autosomal Recessive and X-Linked Classification Criteria (2023). Collection method: clinical testing. Allele origin: unknown.
Comment: NM_000128.3(F11):c.755G>T(R252I) is a missense variant classified as a variant of uncertain significance in the context of factor XI deficiency. R252I has been observed in a case with relevant disease (PMID: 16835901). Relevant functional assessments of this variant are not available in the literature. R252I has been observed in referenced population frequency databases. In summary, there is insufficient evidence to classify NM_000128.3(F11):c.755G>T(R252I) as pathogenic or benign. Please note: this variant was assessed in the context of healthy population screening.

Literature cited by the submitters: PubMed 16835901.

NM_000128.4(F11):c.755G>T (p.Arg252Ile)

Gene: F11 (coagulation factor XI; plus strand). Cytogenetic location: 4q35.2.
Variant type: single nucleotide variant.
Coding change: c.755G>T on transcript NM_000128.4 (MANE Select); coding-DNA position 755, G replaced by T.
Protein change: p.Arg252Ile; replaces arginine 252 with isoleucine.
Molecular consequence: missense variant. On other transcripts: intron variant (4).
Genome position (GRCh38, 1-based): chr4:186,276,390, G>T. VCF-style: chr4-186276390-G-T. GRCh37 (hg19) VCF-style: chr4-187197544-G-T.
Other names: c.755G>T, p.Arg252Ile (NM_001440590.1, NM_001440593.1, NM_001440596.1); c.485+2115G>T (NM_001440605.1, NM_001440607.1, NM_001440606.1 and 1 more transcripts); short protein forms R252I.
Identifiers: ClinVar variation 5003207 (VCV005003207.1).